The following is an entry in ClinVar:

ClinVar aggregate classification (germline): Uncertain significance (1 of 4 stars; one submission).

Conditions:
Noonan syndrome 9 (NS9). Identifiers: Orphanet 648, MedGen C4225282, MONDO:0014691, OMIM 616559.

gnomAD v4.1: 2 of 1,614,016 alleles (0.00012%); highest among the groups gnomAD compares: South Asian, 0.0011%; no homozygotes.

Submission:

Labcorp Genetics (formerly Invitae), Labcorp
Classification: Uncertain significance for Noonan syndrome 9. Last evaluated: 2025-09-20. Review status: criteria provided, single submitter. Criteria: Invitae Variant Classification Sherloc (09022015). Collection method: clinical testing. Allele origin: germline.
Comment: This sequence change replaces glutamine, which is neutral and polar, with proline, which is neutral and non-polar, at codon 768 of the SOS2 protein (p.Gln768Pro). This variant is not present in population databases (gnomAD no frequency). This variant has not been reported in the literature in individuals affected with SOS2-related conditions. ClinVar contains an entry for this variant (Variation ID: 3625114). Invitae Evidence Modeling of protein sequence and biophysical properties (such as structural, functional, and spatial information, amino acid conservation, physicochemical variation, residue mobility, and thermodynamic stability) has been performed for this missense variant. However, the output from this modeling did not meet the statistical confidence thresholds required to predict the impact of this variant on SOS2 protein function. In summary, the available evidence is currently insufficient to determine the role of this variant in disease. Therefore, it has been classified as a Variant of Uncertain Significance.

NM_006939.4(SOS2):c.2303A>C (p.Gln768Pro)

Gene: SOS2 (SOS Ras/Rho guanine nucleotide exchange factor 2; minus strand). Cytogenetic location: 14q21.3.
Variant type: single nucleotide variant.
Coding change: c.2303A>C on transcript NM_006939.4 (MANE Select); coding-DNA position 2303, A replaced by C.
Protein change: p.Gln768Pro; replaces glutamine 768 with proline.
Molecular consequence: missense variant.
Genome position (GRCh38, 1-based): chr14:50,150,089, T>G on the plus strand (A>C on the coding strand, the complement: SOS2 is on the minus strand). VCF-style: chr14-50150089-T-G. GRCh37 (hg19) VCF-style: chr14-50616807-T-G.
Other names: c.2204A>C, p.Gln735Pro (NM_001411020.1); short protein forms Q735P, Q768P.
Identifiers: ClinVar variation 3625114 (VCV003625114.2).